The following is an entry in ClinVar:

NM_001035.3(RYR2):c.13132G>T (p.Asp4378Tyr)

Genes: RYR2 (ryanodine receptor 2; plus strand), LOC126806068 (BRD4-independent group 4 enhancer GRCh37_chr1:237947411-237948610; plus strand). Cytogenetic location: 1q43.
Variant type: single nucleotide variant.
Coding change: c.13132G>T on transcript NM_001035.3 (MANE Select); coding-DNA position 13132, G replaced by T.
Protein change: p.Asp4378Tyr; replaces aspartic acid 4378 with tyrosine.
Molecular consequence: missense variant.
Genome position (GRCh38, 1-based): chr1:237,784,844, G>T. VCF-style: chr1-237784844-G-T. GRCh37 (hg19) VCF-style: chr1-237948144-G-T.
Other names: short protein forms D4378Y.
Identifiers: ClinVar variation 4281770 (VCV004281770.1).
Genomic context (GRCh38, chr1:237,784,844, plus strand): 5'-CTGCCCTCCGAGGATCTGACCGACTTAAAGGAGCTGACAGAGGAAAGTGACCTTCTTTCG[G>T]ACATCTTTGGCCTGGATCTGAAGAGAGAAGGAGGACAGTACAAACTGATTCCTCATAATC-3'
Protein context (NP_001026.2, residues 4368-4388): ELTEESDLLS[Asp4378Tyr]IFGLDLKREG

ClinVar aggregate classification (germline): Uncertain significance (1 of 4 stars; one submission).

Submission:

GeneDx
Classification: Uncertain significance. Last evaluated: 2025-04-10. Review status: criteria provided, single submitter. Criteria: GeneDx Variant Classification Process June 2021. Collection method: clinical testing. Allele origin: germline. Affected: yes.
Comment: Not observed at significant frequency in large population cohorts (gnomAD); In silico analysis supports that this missense variant has a deleterious effect on protein structure/function; Has not been previously published as pathogenic or benign to our knowledge; Located in one of the three hot-spot regions of the RYR2 gene, where the majority of pathogenic missense variants occur (PMID: 19926015); This variant is associated with the following publications: (PMID: 19926015)